The following is an entry in ClinVar:

ClinVar aggregate classification (germline): Uncertain significance (1 of 4 stars; one submission).

Conditions:
LPIN1-related disorder. Also called: LPIN1-related condition.

gnomAD v4.1: 20 of 1,487,814 alleles (0.0013%); highest among the groups gnomAD compares: Non-Finnish European, 0.0014%; 1 homozygote.

Submission:

PreventionGenetics, part of Exact Sciences
Classification: Uncertain significance for LPIN1-related condition. Last evaluated: 2025-10-21. Review status: criteria provided, single submitter. Criteria: ACMG Guidelines, 2015. Collection method: clinical testing. Allele origin: germline.
Comment: The LPIN1 c.1660T>C variant is predicted to result in the amino acid substitution p.Ser554Pro. To our knowledge, this variant has not been reported in the literature or in a large population database (gnomAD), indicating this variant is rare. At this time, the clinical significance of this variant is uncertain due to the absence of conclusive functional and genetic evidence.

NM_001349206.2(LPIN1):c.1714-152T>C

Gene: LPIN1 (lipin 1; plus strand). Cytogenetic location: 2p25.1.
Variant type: single nucleotide variant.
Coding change: c.1714-152T>C on transcript NM_001349206.2 (MANE Select); 152 bases into the intron before coding-DNA position 1714, T replaced by C.
Molecular consequence: intron variant. On other transcripts: missense variant (2).
Genome position (GRCh38, 1-based): chr2:11,791,762, T>C. VCF-style: chr2-11791762-T-C. GRCh37 (hg19) VCF-style: chr2-11931888-T-C.
Other names: c.1660T>C, p.Ser554Pro (NM_001349200.2, NM_001349201.2); c.1861-152T>C (NM_001261428.3); c.1753-152T>C (NM_001349208.2); c.1804-152T>C (NM_001349207.2); c.1624-152T>C (NM_001261427.3); c.1714-152T>C (NM_001349204.2, NM_001349205.2); c.1711-152T>C (NM_001349202.2, NM_001349203.2); c.1606-152T>C (NM_001349199.2, NM_145693.4); short protein forms S554P.
Identifiers: ClinVar variation 4990397 (VCV004990397.1).